The following is an entry in ClinVar:

NM_000535.7(PMS2):c.503dup (p.Arg169fs)

Gene: PMS2 (PMS1 homolog 2, mismatch repair system component; minus strand). Cytogenetic location: 7p22.1.
Variant type: Duplication.
Coding change: c.503dup on transcript NM_000535.7 (MANE Select); coding-DNA position 503, one base duplicated (T; older notation c.503dupT).
Protein change: p.Arg169fs; shifts the reading frame from arginine 169.
Molecular consequence: frameshift variant. On other transcripts: 5 prime UTR variant (2), non-coding transcript variant (1), intron variant (1).
Genome position (GRCh38, 1-based): chr7:6,002,487, A duplicated on the plus strand (T on the coding strand, the reverse complement: PMS2 is on the minus strand). VCF-style (leftmost placement, unchanged base first): chr7-6002486-C-CA. GRCh37 (hg19) VCF-style: chr7-6042117-C-CA.
Other names: c.98dup, p.Arg34Alafs (NM_001018040.1); c.98dup, p.Arg34fs (NM_001322003.2, NM_001322004.2, NM_001322005.2 and 24 more transcripts); c.503dup, p.Arg169fs (NM_001322006.2, NM_001322014.2, NM_001406869.1 and 8 more transcripts); c.185dup, p.Arg63fs (NM_001322007.2, NM_001322008.2, NM_001406876.1 and 4 more transcripts); c.-382dup (NM_001322011.2, NM_001322012.2); c.194dup, p.Arg66fs (NM_001322015.2, NM_001406875.1, NM_001406877.1 and 6 more transcripts); c.689dup, p.Arg231fs (NM_001406866.1); c.527dup, p.Arg177fs (NM_001406868.1); and 2 more; short protein forms R169fs, R177fs, R231fs, R34fs, R63fs, R66fs.
Identifiers: ClinVar variation 2674264 (VCV002674264.6), dbSNP rs2536435681, ClinGen allele CA2578823690.

ClinVar aggregate classification (germline): Pathogenic/Likely pathogenic. Review status: criteria provided, multiple submitters, no conflicts (2 of 4 stars). 4 submissions from 4 submitters: Pathogenic (3); Likely pathogenic (1). Last evaluated 2025-09-06.

Conditions:
Hereditary nonpolyposis colorectal neoplasms. Identifiers: MedGen C0009405, MeSH D003123.
Hereditary cancer-predisposing syndrome. Also called: Tumor predisposition; Hereditary neoplastic syndrome; Neoplastic Syndromes, Hereditary; Hereditary Cancer Syndrome. Identifiers: Orphanet 140162, MedGen C0027672, MeSH D009386, MONDO:0015356.
Lynch syndrome 4 (LYNCH4). Also called: Hereditary non-polyposis colorectal cancer, type 4; Colorectal cancer, hereditary nonpolyposis, type 4. Identifiers: Orphanet 144, MedGen C1838333, MONDO:0013699, OMIM 614337. Disease mechanism: loss of function.

Submissions (4):

Ambry Genetics
Classification: Pathogenic for Hereditary cancer-predisposing syndrome. Last evaluated: 2025-09-06. Review status: criteria provided, single submitter. Criteria: Ambry Variant Classification Scheme 2023. Collection method: clinical testing. Allele origin: germline.
Comment: The c.503dupT pathogenic mutation, located in coding exon 5 of the PMS2 gene, results from a duplication of T at nucleotide position 503, causing a translational frameshift with a predicted alternate stop codon (p.R169Afs*3). This variant has been identified in a proband whose Lynch syndrome-associated tumor demonstrated loss of PMS2 expression by immunohistochemistry (Li S et al. J. Med. Genet. 2020 Jan;57:62-69; Ambry internal data). This variant is considered to be rare based on population cohorts in the Genome Aggregation Database (gnomAD). This alteration is expected to result in loss of function by premature protein truncation or nonsense-mediated mRNA decay. As such, this alteration is interpreted as a disease-causing mutation.

Baylor Genetics
Classification: Likely pathogenic for Lynch syndrome 4. Last evaluated: 2024-01-05. Review status: criteria provided, single submitter. Criteria: ACMG Guidelines, 2015. Collection method: clinical testing. Allele origin: unknown.

Myriad Genetics, Inc.
Classification: Pathogenic for Lynch syndrome 4. Last evaluated: 2023-09-18. Review status: criteria provided, single submitter. Criteria: Myriad Autosomal Dominant, Autosomal Recessive and X-Linked Classification Criteria (2023). Collection method: clinical testing. Allele origin: unknown.
Comment: This variant is considered pathogenic. This variant creates a frameshift predicted to result in premature protein truncation.

Labcorp Genetics (formerly Invitae), Labcorp
Classification: Pathogenic for Hereditary nonpolyposis colorectal neoplasms. Last evaluated: 2023-06-09. Review status: criteria provided, single submitter. Criteria: Invitae Variant Classification Sherloc (09022015). Collection method: clinical testing. Allele origin: germline.
Comment: This sequence change creates a premature translational stop signal (p.Arg169Alafs*3) in the PMS2 gene. It is expected to result in an absent or disrupted protein product. Loss-of-function variants in PMS2 are known to be pathogenic (PMID: 21376568, 24362816). This variant is not present in population databases (gnomAD no frequency). This variant has not been reported in the literature in individuals affected with PMS2-related conditions. For these reasons, this variant has been classified as Pathogenic.

Literature cited by the submitters: PubMed 21376568 (cited by Labcorp Genetics (formerly Invitae), Labcorp); PubMed 24362816 (cited by Labcorp Genetics (formerly Invitae), Labcorp).